The following is an entry in ClinVar:

NM_006009.4(TUBA1A):c.70T>C (p.Tyr24His)

Gene: TUBA1A (tubulin alpha 1a; minus strand). Cytogenetic location: 12q13.12.
Variant type: single nucleotide variant.
Coding change: c.70T>C on transcript NM_006009.4 (MANE Select); coding-DNA position 70, T replaced by C.
Protein change: p.Tyr24His; replaces tyrosine 24 with histidine.
Molecular consequence: missense variant. On other transcripts: 5 prime UTR variant (1).
Genome position (GRCh38, 1-based): chr12:49,186,767, A>G on the plus strand (T>C on the coding strand, the complement: TUBA1A is on the minus strand). VCF-style: chr12-49186767-A-G. GRCh37 (hg19) VCF-style: chr12-49580550-A-G.
Other names: c.70T>C, p.Tyr24His (NM_001270399.2); c.-36T>C (NM_001270400.2); short protein forms Y24H.
Identifiers: ClinVar variation 1721252 (VCV001721252.5), dbSNP rs2498863600, ClinGen allele CA384645817.

ClinVar aggregate classification (germline): Uncertain significance (1 of 4 stars; one submission).

Submission:

Labcorp Genetics (formerly Invitae), Labcorp
Classification: Uncertain significance. Last evaluated: 2022-10-08. Review status: criteria provided, single submitter. Criteria: Invitae Variant Classification Sherloc (09022015). Collection method: clinical testing. Allele origin: germline.
Comment: This sequence change replaces tyrosine, which is neutral and polar, with histidine, which is basic and polar, at codon 24 of the TUBA1A protein (p.Tyr24His). This variant is not present in population databases (gnomAD no frequency). This variant has not been reported in the literature in individuals affected with TUBA1A-related conditions. Advanced modeling of protein sequence and biophysical properties (such as structural, functional, and spatial information, amino acid conservation, physicochemical variation, residue mobility, and thermodynamic stability) performed at Invitae indicates that this missense variant is expected to disrupt TUBA1A protein function. In summary, the available evidence is currently insufficient to determine the role of this variant in disease. Therefore, it has been classified as a Variant of Uncertain Significance.